The following is an entry in ClinVar:

ClinVar aggregate classification (germline): Likely benign. Review status: criteria provided, single submitter (1 of 4 stars). 2 submissions from 2 submitters: Likely benign (1). 1 of the submissions does not count toward it. Last evaluated 2025-12-23.

Conditions:
CUL7-related disorder. Also called: CUL7-related condition.

Allele frequency attached by ClinVar (database versions not stated): TOPMed 0.00003; gnomAD 0.00004; ExAC 0.00005; gnomAD exomes 0.00005.
gnomAD v4.1: 74 of 1,614,096 alleles (0.0046%); highest among the groups gnomAD compares: Middle Eastern, 0.033%; 1 homozygote.

Submissions (2):

Labcorp Genetics (formerly Invitae), Labcorp
Classification: Likely benign. Last evaluated: 2025-12-23. Review status: criteria provided, single submitter. Criteria: Invitae Variant Classification Sherloc (09022015). Collection method: clinical testing. Allele origin: germline.

PreventionGenetics, part of Exact Sciences
Classification: Likely benign for CUL7-related condition. Last evaluated: 2019-03-14. Review status: no assertion criteria provided. Collection method: clinical testing. Allele origin: germline. Not counted in ClinVar's aggregate classification.
Comment: This variant is classified as likely benign based on ACMG/AMP sequence variant interpretation guidelines (Richards et al. 2015 PMID: 25741868, with internal and published modifications).

NM_014780.5(CUL7):c.2877G>A (p.Thr959=)

Gene: CUL7 (cullin 7; minus strand). Cytogenetic location: 6p21.1.
Variant type: single nucleotide variant.
Coding change: c.2877G>A on transcript NM_014780.5 (MANE Select); coding-DNA position 2877, G replaced by A.
Protein change: p.Thr959=; no amino-acid change (threonine 959 retained).
Molecular consequence: synonymous variant.
Genome position (GRCh38, 1-based): chr6:43,045,388, C>T on the plus strand (G>A on the coding strand, the complement: CUL7 is on the minus strand). VCF-style: chr6-43045388-C-T. GRCh37 (hg19) VCF-style: chr6-43013126-C-T.
Other names: c.2973G>A, p.Thr991= (NM_001168370.2, NM_001374872.1); c.2877G>A, p.Thr959= (NM_001374873.1, NM_001374874.1).
Identifiers: ClinVar variation 3058423 (VCV003058423.3), dbSNP rs759223855, ClinGen allele CA3813655.